The following is an entry in ClinVar:

ClinVar aggregate classification (germline): Uncertain significance. Review status: criteria provided, multiple submitters, no conflicts (2 of 4 stars). 2 submissions from 2 submitters: Uncertain significance (2). Last evaluated 2026-09-03.

Conditions:
Developmental and epileptic encephalopathy, 9 (DEE9). Also called: Early infantile epileptic encephalopathy 9; EPILEPSY, FEMALE-RESTRICTED, WITH MENTAL RETARDATION; JUBERG-HELLMAN SYNDROME; PCDH19-Related X-Linked Female-Limited Epilepsy with Mental Retardation. Identifiers: Orphanet 101039, Orphanet 2076, MedGen C1848137, MONDO:0010246, OMIM 300088. Disease mechanism: loss of function.

gnomAD v4.1: 2 of 1,211,780 alleles (0.00017%); highest among the groups gnomAD compares: Non-Finnish European, 0.00022%; no homozygotes.

Submissions (2):

GeneDx
Classification: Uncertain significance. Last evaluated: 2026-09-03. Review status: criteria provided, single submitter. Criteria: GeneDx Variant Classification Process June 2021. Collection method: clinical testing. Allele origin: germline.
Comment: Not observed at significant frequency in large population cohorts (gnomAD); In silico analysis supports that this missense variant has a deleterious effect on protein structure/function; Has not been previously published as pathogenic or benign to our knowledge

Labcorp Genetics (formerly Invitae), Labcorp
Classification: Uncertain significance for Developmental and epileptic encephalopathy, 9. Last evaluated: 2024-11-18. Review status: criteria provided, single submitter. Criteria: Invitae Variant Classification Sherloc (09022015). Collection method: clinical testing. Allele origin: germline.
Comment: This sequence change replaces glycine, which is neutral and non-polar, with serine, which is neutral and polar, at codon 598 of the PCDH19 protein (p.Gly598Ser). This variant is not present in population databases (gnomAD no frequency). This variant has not been reported in the literature in individuals affected with PCDH19-related conditions. Invitae Evidence Modeling of protein sequence and biophysical properties (such as structural, functional, and spatial information, amino acid conservation, physicochemical variation, residue mobility, and thermodynamic stability) indicates that this missense variant is expected to disrupt PCDH19 protein function with a positive predictive value of 95%. In summary, the available evidence is currently insufficient to determine the role of this variant in disease. Therefore, it has been classified as a Variant of Uncertain Significance.

NM_001184880.2(PCDH19):c.1792G>A (p.Gly598Ser)

Gene: PCDH19 (protocadherin 19; minus strand). Cytogenetic location: Xq22.1.
Variant type: single nucleotide variant.
Coding change: c.1792G>A on transcript NM_001184880.2 (MANE Select); coding-DNA position 1792, G replaced by A.
Protein change: p.Gly598Ser; replaces glycine 598 with serine.
Molecular consequence: missense variant.
Genome position (GRCh38, 1-based): chrX:100,406,806, C>T on the plus strand (G>A on the coding strand, the complement: PCDH19 is on the minus strand). VCF-style: chrX-100406806-C-T. GRCh37 (hg19) VCF-style: chrX-99661804-C-T.
Other names: c.1792G>A, p.Gly598Ser (NM_001105243.2, NM_020766.3); c.1792G>A (NM_001184880.1); short protein forms G598S.
Identifiers: ClinVar variation 3669946 (VCV003669946.4).
Genomic context (GRCh38, chrX:100,406,806, plus strand): 5'-CTATTTCAAAGAAGCCGCGGTCGCCCTCGGTCATGTCGTAGGTGACTCGGCCATTTTCGC[C>T]CTCATCGTAGTCTTCTGCCTTGACAACAGTCACCAGGTAGCCTATGCCAGAGTTGCGGGG-3'
Protein context (NP_001171809.1, residues 588-608): TVVKAEDYDE[Gly598Ser]ENGRVTYDMT